The following is an entry in ClinVar:

NM_018163.3(DNAJC17):c.409C>T (p.Arg137Trp)

Gene: DNAJC17 (DnaJ heat shock protein family (Hsp40) member C17; minus strand). Cytogenetic location: 15q15.1.
Variant type: single nucleotide variant.
Coding change: c.409C>T on transcript NM_018163.3 (MANE Select); coding-DNA position 409, C replaced by T.
Protein change: p.Arg137Trp; replaces arginine 137 with tryptophan.
Molecular consequence: missense variant.
Genome position (GRCh38, 1-based): chr15:40,776,265, G>A on the plus strand (C>T on the coding strand, the complement: DNAJC17 is on the minus strand). VCF-style: chr15-40776265-G-A. GRCh37 (hg19) VCF-style: chr15-41068463-G-A.
Other names: short protein forms R137W.
Identifiers: ClinVar variation 1358116 (VCV001358116.6), dbSNP rs762879970, ClinGen allele CA7485157.
Genomic context (GRCh38, chr15:40,776,265, plus strand): 5'-TCTGGTCACGCTCCTGGCGTATCTGCTCCCGGATGAGCCTCTGCTGTTCCTCCAGCTGCC[G>A]GGAACCCTCTTCTCTCAGGCGTTCGATCTGCAGAGCAGGGGGTGGGGGTGACAATTCTGT-3'
Protein context (NP_060633.1, residues 127-147): EIERLREEGS[Arg137Trp]QLEEQQRLIR

ClinVar aggregate classification (germline): Uncertain significance (1 of 4 stars; one submission).

Allele frequency attached by ClinVar (database versions not stated): TOPMed 0.00001; gnomAD 0.00002; ExAC 0.00003; gnomAD exomes 0.00003 and 0.00004.

Submission:

Labcorp Genetics (formerly Invitae), Labcorp
Classification: Uncertain significance. Last evaluated: 2025-03-17. Review status: criteria provided, single submitter. Criteria: Invitae Variant Classification Sherloc (09022015). Collection method: clinical testing. Allele origin: germline.
Comment: This sequence change replaces arginine, which is basic and polar, with tryptophan, which is neutral and slightly polar, at codon 137 of the DNAJC17 protein (p.Arg137Trp). This variant is present in population databases (rs762879970, gnomAD 0.01%). This variant has not been reported in the literature in individuals affected with DNAJC17-related conditions. ClinVar contains an entry for this variant (Variation ID: 1358116). An algorithm developed to predict the effect of missense changes on protein structure and function (PolyPhen-2) suggests that this variant is likely to be disruptive. In summary, the available evidence is currently insufficient to determine the role of this variant in disease. Therefore, it has been classified as a Variant of Uncertain Significance.